The following is an entry in ClinVar:

ClinVar aggregate classification (germline): Likely pathogenic (0 of 4 stars; one submission).

Conditions:
Pyruvate dehydrogenase E1-alpha deficiency (PDHAD). Also called: ATAXIA, INTERMITTENT, WITH PYRUVATE DEHYDROGENASE DEFICIENCY; ATAXIA WITH LACTIC ACIDOSIS I; ATAXIA, INTERMITTENT, WITH ABNORMAL PYRUVATE METABOLISM; Ataxia, intermittent, with pyruvate dehydrogenase, or decarboxylase, deficiency. Identifiers: Orphanet 79243, MedGen C1839413, MONDO:0010717, OMIM 312170.

Submission:

PDHA1 Study Group, University Children’s Hospital, Paracelsus Medical University
Classification: Likely pathogenic for Pyruvate dehydrogenase E1-alpha deficiency. Last evaluated: 2024-10-15. Review status: no assertion criteria provided. Collection method: research. Allele origin: inherited. Affected: yes. Observed: 1 variant allele.
Comment: The NM_000284.3:c.599A>C (p.Asn200Thr) substitution is a missense variant in PDHA1 gene. Among them, 1 were confirmed inherited. The variant has been reported in 1 published case (PMIDs: 21454027). Last literature search: July 12, 2024. This variant is absent or extremely rare in population-based cohorts in the Genome Aggregation Database (gnomAD). Individuals harboring this variant presented with clinical features compatible with PDHA1-related PDHc deficiency. In summary, this variant meets criteria to be classified as likely pathogenic (LP) for PDHA1-related PDHc deficiency based on the ACMG/AMP criteria applied: PS3, PM2, PM7, PP3 (last assessment October 15, 2024).

Literature cited by the submitters: PubMed 21454027; DOI 10.1093/brain/awaf430.

NM_000284.4(PDHA1):c.599A>C (p.Asn200Thr)

Gene: PDHA1 (pyruvate dehydrogenase E1 subunit alpha 1; plus strand). Cytogenetic location: Xp22.12.
Variant type: single nucleotide variant.
Coding change: c.599A>C on transcript NM_000284.4 (MANE Select); coding-DNA position 599, A replaced by C.
Protein change: p.Asn200Thr; replaces asparagine 200 with threonine.
Molecular consequence: missense variant. On other transcripts: intron variant (1).
Genome position (GRCh38, 1-based): chrX:19,354,579, A>C. VCF-style: chrX-19354579-A-C. GRCh37 (hg19) VCF-style: chrX-19372697-A-C.
Other names: c.713A>C, p.Asn238Thr (NM_001173454.2); c.620A>C, p.Asn207Thr (NM_001173455.2); c.511-770A>C (NM_001173456.2); short protein forms N200T, N207T, N238T.
Identifiers: ClinVar variation 4070344 (VCV004070344.1).
Genomic context (GRCh38, chrX:19,354,579, plus strand): 5'-CCTGTAAGTATAATGGAAAAGATGAGGTCTGCCTGACTTTATATGGCGATGGTGCTGCTA[A>C]CCAGGTAATTATGTCTCTTAACTTCCCAAAAACAGTCTTATTTTCAAAGTCTTTAATATT-3'
Protein context (NP_000275.1, residues 190-210): CLTLYGDGAA[Asn200Thr]QGQIFEAYNM